The following is an entry in ClinVar:

ClinVar aggregate classification (germline): Pathogenic (1 of 4 stars; one submission).

Conditions:
Neuropathy, hereditary sensory and autonomic, type 2A (HSAN2A). Also called: WNK1-Related HSAN2 (HSAN2A); HSAN IIA; ACROOSTEOLYSIS, GIACCAI TYPE; ACROOSTEOLYSIS, NEUROGENIC; MORVAN DISEASE; NEUROPATHY, CONGENITAL SENSORY. Identifiers: Orphanet 970, MedGen C2752089, MONDO:0024309, OMIM 201300.
Generalized epilepsy with febrile seizures plus, type 7 (GEFSP7). Also called: GEFS+, TYPE 7. Identifiers: Orphanet 36387, MedGen C2751778, MONDO:0013470, OMIM 613863.

Submission:

Labcorp Genetics (formerly Invitae), Labcorp
Classification: Pathogenic for Neuropathy, hereditary sensory and autonomic, type 2A; Generalized epilepsy with febrile seizures plus, type 7. Last evaluated: 2022-11-29. Review status: criteria provided, single submitter. Criteria: Invitae Variant Classification Sherloc (09022015). Collection method: clinical testing. Allele origin: germline.
Comment: For these reasons, this variant has been classified as Pathogenic. This variant has not been reported in the literature in individuals affected with SCN9A-related conditions. This variant is not present in population databases (gnomAD no frequency). This sequence change creates a premature translational stop signal (p.Ala546Glnfs*19) in the SCN9A gene. It is expected to result in an absent or disrupted protein product. Loss-of-function variants in SCN9A are known to be pathogenic (PMID: 17470132, 19304393).

Literature cited by the submitters: PubMed 17470132; PubMed 19304393.

NM_001365536.1(SCN9A):c.1635del (p.Ala546fs)

Genes: SCN9A (sodium voltage-gated channel alpha subunit 9; minus strand), SCN1A-AS1 (SCN1A and SCN9A antisense RNA 1; plus strand). Cytogenetic location: 2q24.3.
Variant type: Deletion.
Coding change: c.1635del on transcript NM_001365536.1 (MANE Select); coding-DNA position 1635, one base deleted (T; older notation c.1635delT).
Protein change: p.Ala546fs; shifts the reading frame from alanine 546.
Molecular consequence: frameshift variant.
Genome position (GRCh38, 1-based): chr2:166,284,792, A deleted on the plus strand (T on the coding strand, the reverse complement: SCN9A is on the minus strand). VCF-style (leftmost placement, unchanged base first): chr2-166284791-CA-C. GRCh37 (hg19) VCF-style: chr2-167141301-CA-C.
Other names: c.1635delT, p.Ala546Glnfs (NM_002977.4); short protein forms A546fs.
Identifiers: ClinVar variation 2108660 (VCV002108660.4), dbSNP rs2468034593, ClinGen allele CA2577145154.
Genomic context (GRCh38, chr2:166,284,791, plus strand): 5'-ATCCTATATCTCTTCCTCTGCCTTTGAAACTAAAAAGACTTGTTCTGCTGCTTCGCCTTG[CA>C]GAAAACAAGGAGCCACGAATGCTGAGTGGTGACTGCAGAAAAATTAAAAAAAACGTGGTT-3'